The following is an entry in ClinVar:

NM_004937.3(CTNS):c.*1165C>T

Gene: CTNS (cystinosin, lysosomal cystine transporter; plus strand). Cytogenetic location: 17p13.2.
Variant type: single nucleotide variant.
Coding change: c.*1165C>T on transcript NM_004937.3 (MANE Select); 1165 bases downstream of the stop codon, C replaced by T.
Molecular consequence: 3 prime UTR variant.
Genome position (GRCh38, 1-based): chr17:3,661,534, C>T. VCF-style: chr17-3661534-C-T. GRCh37 (hg19) VCF-style: chr17-3564828-C-T.
Other names: c.*800C>T (NM_001031681.3, NM_001374492.1); c.*1165C>T (NM_001374493.1, NM_001374494.1, NM_001374495.1 and 1 more transcripts).
Identifiers: ClinVar variation 322882 (VCV000322882.6), dbSNP rs112915401, ClinGen allele CA10649965.
Genomic context (GRCh38, chr17:3,661,534, plus strand): 5'-GTTTCCTTCTACGAGATCAACGCGAGGGGCCTGTATCTTGAATTAAAACCTACTCGCTTC[C>T]TTTCTGCACTCTGTGTGCTCGATACAGAAGGCAGGTGTGCTGGCCTTCAGAGCCAGGTGC-3'

ClinVar aggregate classification (germline): Benign. Review status: criteria provided, multiple submitters, no conflicts (2 of 4 stars). 3 submissions from 2 submitters: Benign (3). Last evaluated 2018-01-12.

Conditions:
Ocular cystinosis. Also called: Non-Nephropathic (Ocular) Cystinosis; Non-Nephropathic Cystinosis. Identifiers: Orphanet 213, Orphanet 411641, MedGen C2931013, MONDO:0009064, OMIM 219750.
Nephropathic cystinosis (CTNS). Also called: CYSTINOSIN, DEFECT OF; LYSOSOMAL CYSTINE TRANSPORT PROTEIN, DEFECT OF; Abderhalden Lignac Kaufmann disease; Abderhalden-Kaufmann-Lignac syndrome. Identifiers: Orphanet 213, Orphanet 411629, MedGen C2931187, MONDO:0100151, OMIM 219800.

Allele frequency attached by ClinVar (database versions not stated): gnomAD 0.00534 and 0.00661; TOPMed 0.00605; 1000 Genomes Project 30x 0.01858; 1000 Genomes Project 0.02137.

Submissions (3):

Illumina Laboratory Services, Illumina
Classification: Benign for Nephropathic cystinosis. Last evaluated: 2018-01-12. Review status: criteria provided, single submitter. Criteria: ICSL Variant Classification Criteria 13 December 2019. Collection method: clinical testing. Allele origin: germline.
Comment: This variant was observed in the ICSL laboratory as part of a predisposition screen in an ostensibly healthy population. It had not been previously curated by ICSL or reported in the Human Gene Mutation Database (HGMD: prior to June 1st, 2018), and was therefore a candidate for classification through an automated scoring system. Utilizing variant allele frequency, disease prevalence and penetrance estimates, and inheritance mode, an automated score was calculated to assess if this variant is too frequent to cause the disease. Based on the score and internal cut-off values, a variant classified as benign is not then subjected to further curation. The score for this variant resulted in a classification of benign for this disease.

Illumina Laboratory Services, Illumina
Classification: Benign for Ocular cystinosis. Last evaluated: 2018-01-12. Review status: criteria provided, single submitter. Criteria: ICSL Variant Classification Criteria 13 December 2019. Collection method: clinical testing. Allele origin: germline.
Comment: the same text as in the submission from Illumina Laboratory Services, Illumina above.

Breakthrough Genomics
Classification: Benign. Review status: criteria provided, single submitter. Criteria: ACMG Guidelines, 2015. Collection method: not provided. Allele origin: germline. Inheritance: Autosomal recessive inheritance. Affected: yes.